The following is an entry in ClinVar:

ClinVar aggregate classification (germline): Benign/Likely benign. Review status: criteria provided, multiple submitters, no conflicts (2 of 4 stars). 12 submissions from 12 submitters: Benign (3); Likely benign (8). 1 of the submissions does not count toward it. Last evaluated 2026-09-01.

Conditions:
Hereditary cancer-predisposing syndrome. Also called: Tumor predisposition; Neoplastic Syndromes, Hereditary; Hereditary neoplastic syndrome; Hereditary Cancer Syndrome. Identifiers: Orphanet 140162, MedGen C0027672, MeSH D009386, MONDO:0015356.
Breast and/or ovarian cancer. Identifiers: MedGen CN221562.
Peutz-Jeghers syndrome (PJS). Also called: Peutz-Jeghers polyposis; Periorificial lentiginosis syndrome; POLYPOSIS, HAMARTOMATOUS INTESTINAL; POLYPS-AND-SPOTS SYNDROME. Identifiers: Orphanet 2869, MedGen C0031269, MeSH D010580, MONDO:0008280, OMIM 175200.

Submissions (12):

CeGaT Center for Human Genetics Tuebingen
Classification: Likely benign. Last evaluated: 2026-09-01. Review status: criteria provided, single submitter. Criteria: CeGaT Center For Human Genetics Tuebingen Variant Classification Criteria Version 2. Collection method: clinical testing. Allele origin: germline. Affected: yes. Observed: 6 variant alleles.
Comment: STK11: BS1

Labcorp Genetics (formerly Invitae), Labcorp
Classification: Benign for Peutz-Jeghers syndrome. Last evaluated: 2026-02-03. Review status: criteria provided, single submitter. Criteria: Invitae Variant Classification Sherloc (09022015). Collection method: clinical testing. Allele origin: germline.

Center for Genomic Medicine, Rigshospitalet, Copenhagen University Hospital
Classification: Likely benign. Last evaluated: 2025-03-04. Review status: criteria provided, single submitter. Criteria: ACMG Guidelines, 2015. Collection method: clinical testing. Allele origin: germline.

ARUP Laboratories, Molecular Genetics and Genomics, ARUP Laboratories
Classification: Likely benign. Last evaluated: 2025-01-03. Review status: criteria provided, single submitter. Criteria: ARUP Molecular Germline Variant Investigation Process 2024. Collection method: clinical testing. Allele origin: germline.

Blueprint Genetics
Classification: Likely benign. Last evaluated: 2024-11-11. Review status: criteria provided, single submitter. Criteria: ACMG Guidelines, 2015. Collection method: clinical testing. Allele origin: germline.

CHEO Genetics Diagnostic Laboratory, Children's Hospital of Eastern Ontario
Classification: Likely benign for Breast and/or ovarian cancer. Last evaluated: 2022-12-21. Review status: criteria provided, single submitter. Criteria: ACMG Guidelines, 2015. Collection method: clinical testing. Allele origin: germline.

Genome-Nilou Lab
Classification: Likely benign for Peutz-Jeghers syndrome. Last evaluated: 2021-07-15. Review status: criteria provided, single submitter. Criteria: ACMG Guidelines, 2015. Collection method: clinical testing. Allele origin: germline. Affected: no.

Quest Diagnostics Nichols Institute San Juan Capistrano
Classification: Benign. Last evaluated: 2020-05-08. Review status: criteria provided, single submitter. Criteria: Quest Diagnostics criteria. Collection method: clinical testing. Allele origin: unknown.

Department of Pathology and Laboratory Medicine, Sinai Health System
Classification: Likely benign for Peutz-Jeghers syndrome. Last evaluated: 2019-10-31. Review status: criteria provided, single submitter. Criteria: ACMG Guidelines, 2015. Collection method: clinical testing. Allele origin: germline. Affected: yes.

Color Diagnostics, LLC DBA Color Health
Classification: Likely benign for Hereditary cancer-predisposing syndrome. Last evaluated: 2015-04-22. Review status: criteria provided, single submitter. Criteria: ACMG Guidelines, 2015. Collection method: clinical testing. Allele origin: germline.

GeneDx
Classification: Benign. Last evaluated: 2015-03-03. Review status: criteria provided, single submitter. Criteria: GeneDx Variant Classification Process June 2021. Collection method: clinical testing. Allele origin: germline. Affected: yes.

Counsyl
Classification: Likely benign for Peutz-Jeghers syndrome. Last evaluated: 2016-08-23. Review status: no assertion criteria provided. Collection method: clinical testing. Allele origin: unknown. Not counted in ClinVar's aggregate classification.

NM_000455.5(STK11):c.597+21dup

Gene: STK11 (serine/threonine kinase 11; plus strand). Cytogenetic location: 19p13.3.
Variant type: Duplication.
Coding change: c.597+21dup on transcript NM_000455.5 (MANE Select); 21 bases into the intron after coding-DNA position 597, one base duplicated (G; older notation c.597+21dupG).
Molecular consequence: intron variant.
Genome position (GRCh38, 1-based): chr19:1,220,526, G duplicated; the last of 7 consecutive G bases (chr19:1,220,520-1,220,526); duplicating any one gives the same sequence. VCF-style (leftmost placement, unchanged base first): chr19-1220519-A-AG. GRCh37 (hg19) VCF-style: chr19-1220518-A-AG.
Other names: c.597+21dupG (NM_000455.4, NM_000455.5).
Identifiers: ClinVar variation 328230 (VCV000328230.52), dbSNP rs534445875, ClinGen allele CA048175.